The following is an entry in ClinVar:

NM_003611.3(OFD1):c.1193_1196del (p.Gln398fs)

Gene: OFD1 (OFD1 centriole and centriolar satellite protein; plus strand). Cytogenetic location: Xp22.2.
Variant type: Microsatellite.
Coding change: c.1193_1196del on transcript NM_003611.3 (MANE Select); coding-DNA positions 1193 to 1196, 4 bases deleted (AATC; older notation c.1193_1196delAATC).
Protein change: p.Gln398fs; shifts the reading frame from glutamine 398.
Molecular consequence: frameshift variant.
Genome position (GRCh38, 1-based): chrX:13,755,214-13,755,217, AATC deleted; deleting any 4 consecutive bases within chrX:13,755,208-13,755,217 gives the same sequence; the c. name uses the placement nearest the transcript's 3' end. VCF-style (leftmost placement, unchanged base first): chrX-13755207-CTCAA-C. GRCh37 (hg19) VCF-style: chrX-13773326-CTCAA-C.
Other names: c.1073_1076del, p.Gln358fs (NM_001330209.2); c.773_776del, p.Gln258fs (NM_001330210.2); short protein forms Q358fs, Q398fs, Q258fs.
Identifiers: ClinVar variation 41065 (VCV000041065.43), dbSNP rs312262868, ClinGen allele CA233302.
Genomic context (GRCh38, chrX:13,755,207, plus strand): 5'-TCAGAAAAAGCTGTTCATTTGCAAGAGGAGCTCATAGCTATTAATTCAAAAAAGGAGGAA[CTCAA>C]TCAATCTGTAAATCGTGTGAAAGAACTTGAGGTAATTGTTAAGCATGTTGGTTTTTGAAA-3'

ClinVar aggregate classification (germline): Pathogenic. Review status: criteria provided, multiple submitters, no conflicts (2 of 4 stars). 8 submissions from 8 submitters: Pathogenic (8). Last evaluated 2025-11-10.

Conditions:
Joubert syndrome. Also called: Familial aplasia of the vermis; JOUBERT-BOLTSHAUSER SYNDROME. Identifiers: Orphanet 475, MedGen C5979921, MONDO:0018772.
Orofaciodigital syndrome I (OFD1). Also called: Papillon-Leage and Psaume Syndrome; OFDS I; Oral-Facial-Digital Syndrome Type I. Identifiers: Orphanet 2750, MedGen C1510460, MONDO:0010702, OMIM 311200.
Retinitis pigmentosa 23 (RP23). Identifiers: Orphanet 791, MedGen C1419610, MONDO:0010320, OMIM 300424.
Joubert syndrome 10 (JBTS10). Identifiers: Orphanet 2754, MedGen C2749019, MONDO:0010431, OMIM 300804.
Simpson-Golabi-Behmel syndrome type 2. Identifiers: Orphanet 79022, MedGen C1846175, MONDO:0010265, OMIM 300209.
Primary ciliary dyskinesia. Also called: Ciliary dyskinesia. Identifiers: Orphanet 244, MedGen C0008780, MONDO:0016575, HP:0012265.

Submissions (8):

Labcorp Genetics (formerly Invitae), Labcorp
Classification: Pathogenic for Orofaciodigital syndrome I; Joubert syndrome. Last evaluated: 2025-11-10. Review status: criteria provided, single submitter. Criteria: Invitae Variant Classification Sherloc (09022015). Collection method: clinical testing. Allele origin: germline.
Comment: This sequence change creates a premature translational stop signal (p.Gln398Leufs*2) in the OFD1 gene. It is expected to result in an absent or disrupted protein product. Loss-of-function variants in OFD1 are known to be pathogenic (PMID: 16783569, 18546297, 27081566). This variant is not present in population databases (gnomAD no frequency). This premature translational stop signal has been observed in individual(s) with oral-facial-digital syndrome type 1 (PMID: 18546297). For these reasons, this variant has been classified as Pathogenic.

GeneDx
Classification: Pathogenic. Last evaluated: 2025-10-29. Review status: criteria provided, single submitter. Criteria: GeneDx Variant Classification Process June 2021. Collection method: clinical testing. Allele origin: germline. Affected: yes.
Comment: Frameshift variant predicted to result in protein truncation or nonsense mediated decay in a gene for which loss of function is a known mechanism of disease; Not observed at significant frequency in large population cohorts (gnomAD); This variant is associated with the following publications: (PMID: 29620724, 18546297, 24712474, 35773765, 39766900)

Genomic Medicine Center of Excellence, King Faisal Specialist Hospital and Research Centre
Classification: Pathogenic for Orofaciodigital syndrome I. Last evaluated: 2024-09-22. Review status: criteria provided, single submitter. Criteria: ACMG Guidelines, 2015. Collection method: clinical testing. Allele origin: germline.

Ambry Genetics
Classification: Pathogenic for Primary ciliary dyskinesia. Last evaluated: 2024-07-17. Review status: criteria provided, single submitter. Criteria: Ambry Variant Classification Scheme 2023. Collection method: clinical testing. Allele origin: germline.
Comment: The c.1193_1196delAATC (p.Q398Lfs*2) alteration, located in exon 12 (coding exon 12) of the OFD1 gene, consists of a deletion of 4 nucleotides from position 1193 to 1196, causing a translational frameshift with a predicted alternate stop codon after 2 amino acids. This alteration is expected to result in loss of function by premature protein truncation or nonsense-mediated mRNA decay. This variant was not reported in population-based cohorts in the Genome Aggregation Database (gnomAD). This variant was reported in multiple individuals with features consistent with OFD1-related oral-facial-digital syndrome; in at least one instance, this variant was determined to be the result of a de novo mutation (Prattichizzo, 2008; Shimojima, 2013). Based on the available evidence, this alteration is classified as pathogenic.

Institute of Human Genetics, University of Leipzig Medical Center
Classification: Pathogenic for Orofaciodigital syndrome I. Last evaluated: 2023-12-22. Review status: criteria provided, single submitter. Criteria: ACMG Guidelines, 2015. Collection method: clinical testing. Allele origin: de novo. Inheritance: X-linked dominant inheritance. Affected: yes.
Comment: Criteria applied: PVS1,PS4_MOD,PM2_SUP,PS2_MOD

CeGaT Center for Human Genetics Tuebingen
Classification: Pathogenic. Last evaluated: 2023-01-01. Review status: criteria provided, single submitter. Criteria: CeGaT Center For Human Genetics Tuebingen Variant Classification Criteria Version 2. Collection method: clinical testing. Allele origin: germline. Affected: yes. Observed: 1 variant allele.
Comment: OFD1: PVS1, PS2, PM2

Fulgent Genetics
Classification: Pathogenic for Simpson-Golabi-Behmel syndrome type 2; Retinitis pigmentosa 23; Joubert syndrome 10; Orofaciodigital syndrome I. Last evaluated: 2021-08-27. Review status: criteria provided, single submitter. Criteria: ACMG Guidelines, 2015. Collection method: clinical testing. Allele origin: unknown.

Genetic Services Laboratory, University of Chicago
Classification: Pathogenic. Last evaluated: 2013-02-08. Review status: criteria provided, single submitter. Criteria: ACMG Guidelines, 2007. Collection method: clinical testing. Allele origin: germline. Inheritance: X-linked inheritance. Affected: yes.

Literature cited by the submitters: PubMed 16783569 (cited by Labcorp Genetics (formerly Invitae), Labcorp); PubMed 18546297 (cited by Labcorp Genetics (formerly Invitae), Labcorp and Ambry Genetics); PubMed 27081566 (cited by Labcorp Genetics (formerly Invitae), Labcorp); PubMed 24712474 (cited by Ambry Genetics).